The following is an entry in ClinVar:

ClinVar aggregate classification (germline): Uncertain significance (1 of 4 stars; one submission).

Submission:

Labcorp Genetics (formerly Invitae), Labcorp
Classification: Uncertain significance. Last evaluated: 2023-11-17. Review status: criteria provided, single submitter. Criteria: Invitae Variant Classification Sherloc (09022015). Collection method: clinical testing. Allele origin: germline.
Comment: This sequence change falls in intron 7 of the NR2E3 gene. It does not directly change the encoded amino acid sequence of the NR2E3 protein. It affects a nucleotide within the consensus splice site. This variant is not present in population databases (gnomAD no frequency). This variant has not been reported in the literature in individuals affected with NR2E3-related conditions. Variants that disrupt the consensus splice site are a relatively common cause of aberrant splicing (PMID: 17576681, 9536098). Algorithms developed to predict the effect of sequence changes on RNA splicing suggest that this variant is not likely to affect RNA splicing. In summary, the available evidence is currently insufficient to determine the role of this variant in disease. Therefore, it has been classified as a Variant of Uncertain Significance.

Literature cited by the submitters: PubMed 17576681; PubMed 9536098.

NM_014249.4(NR2E3):c.1100+6del

Gene: NR2E3 (nuclear receptor subfamily 2 group E member 3; plus strand). Cytogenetic location: 15q23.
Variant type: Deletion.
Coding change: c.1100+6del on transcript NM_014249.4 (MANE Select); 6 bases into the intron after coding-DNA position 1100, one base deleted (C; older notation c.1100+6delC).
Molecular consequence: intron variant. On other transcripts: 3 prime UTR variant (1).
Genome position (GRCh38, 1-based): chr15:71,814,123, C deleted; the last of 2 consecutive C bases (chr15:71,814,122-71,814,123); deleting either gives the same sequence. VCF-style (leftmost placement, unchanged base first): chr15-71814121-AC-A. GRCh37 (hg19) VCF-style: chr15-72106462-AC-A.
Other names: c.*2del (NM_016346.4).
Identifiers: ClinVar variation 2881879 (VCV002881879.3), dbSNP rs2054209433, ClinGen allele CA2186514902.